The following is an entry in ClinVar:

ClinVar aggregate classification (germline): Uncertain significance (1 of 4 stars; one submission).

Submission:

GeneDx
Classification: Uncertain significance. Last evaluated: 2019-10-29. Review status: criteria provided, single submitter. Criteria: GeneDx Variant Classification Process June 2021. Collection method: clinical testing. Allele origin: germline. Affected: yes.
Comment: Not observed in large population cohorts (Lek et al., 2016); In silico analysis, which includes protein predictors and evolutionary conservation, supports a deleterious effect; Has not been previously published as pathogenic or benign to our knowledge

NM_017780.4(CHD7):c.4115_4116delinsTT (p.Gly1372Val)

Gene: CHD7 (chromodomain helicase DNA binding protein 7; plus strand). Cytogenetic location: 8q12.2.
Variant type: Indel.
Coding change: c.4115_4116delinsTT on transcript NM_017780.4 (MANE Select); coding-DNA positions 4115 to 4116, GC replaced by TT.
Protein change: p.Gly1372Val; replaces glycine 1372 with valine.
Molecular consequence: missense variant. On other transcripts: intron variant (1).
Genome position (GRCh38, 1-based): chr8:60,836,942-60,836,943, GC replaced by TT. VCF-style: chr8-60836942-GC-TT. GRCh37 (hg19) VCF-style: chr8-61749501-GC-TT.
Other names: c.1717-25287_1717-25286delinsTT (NM_001316690.1); short protein forms G1372V.
Identifiers: ClinVar variation 1309708 (VCV001309708.2), dbSNP rs2150777287, ClinGen allele CA2573053034.